The following is an entry in ClinVar:

ClinVar aggregate classification (germline): Uncertain significance. Review status: criteria provided, multiple submitters, no conflicts (2 of 4 stars). 3 submissions from 3 submitters: Uncertain significance (3). Last evaluated 2025-11-04.

Conditions:
Inborn genetic diseases. Identifiers: MedGen C0950123, MeSH D030342.

Allele frequency attached by ClinVar (database versions not stated): TOPMed 0.00011; gnomAD 0.00009; ExAC 0.00002; gnomAD exomes 0.00005.
gnomAD v4.1: 91 of 1,614,018 alleles (0.0056%); highest among the groups gnomAD compares: Non-Finnish European, 0.0054%; no homozygotes.

Submissions (3):

Labcorp Genetics (formerly Invitae), Labcorp
Classification: Uncertain significance. Last evaluated: 2025-11-04. Review status: criteria provided, single submitter. Criteria: Invitae Variant Classification Sherloc (09022015). Collection method: clinical testing. Allele origin: germline.
Comment: This sequence change replaces asparagine, which is neutral and polar, with isoleucine, which is neutral and non-polar, at codon 981 of the LAMB1 protein (p.Asn981Ile). This variant is present in population databases (rs774187408, gnomAD 0.04%). This variant has not been reported in the literature in individuals affected with LAMB1-related conditions. ClinVar contains an entry for this variant (Variation ID: 2578081). An algorithm developed to predict the effect of missense changes on protein structure and function (PolyPhen-2) suggests that this variant is likely to be disruptive. In summary, the available evidence is currently insufficient to determine the role of this variant in disease. Therefore, it has been classified as a Variant of Uncertain Significance.

Ambry Genetics
Classification: Uncertain significance for Inborn genetic diseases. Last evaluated: 2024-12-11. Review status: criteria provided, single submitter. Criteria: Ambry Variant Classification Scheme 2023. Collection method: clinical testing. Allele origin: germline.

GeneDx
Classification: Uncertain significance. Last evaluated: 2023-03-01. Review status: criteria provided, single submitter. Criteria: GeneDx Variant Classification Process June 2021. Collection method: clinical testing. Allele origin: germline. Affected: yes.
Comment: In silico analysis supports that this missense variant has a deleterious effect on protein structure/function; Has not been previously published as pathogenic or benign to our knowledge

NM_002291.3(LAMB1):c.2942A>T (p.Asn981Ile)

Gene: LAMB1 (laminin subunit beta 1; minus strand). Cytogenetic location: 7q31.1.
Variant type: single nucleotide variant.
Coding change: c.2942A>T on transcript NM_002291.3 (MANE Select); coding-DNA position 2942, A replaced by T.
Protein change: p.Asn981Ile; replaces asparagine 981 with isoleucine.
Molecular consequence: missense variant.
Genome position (GRCh38, 1-based): chr7:107,953,667, T>A on the plus strand (A>T on the coding strand, the complement: LAMB1 is on the minus strand). VCF-style: chr7-107953667-T-A. GRCh37 (hg19) VCF-style: chr7-107594112-T-A.
Other names: short protein forms N981I.
Identifiers: ClinVar variation 2578081 (VCV002578081.5), dbSNP rs774187408, ClinGen allele CA4435472.